The following is an entry in ClinVar:

ClinVar aggregate classification (germline): Uncertain significance (1 of 4 stars; one submission).

Conditions:
Neutropenia, severe congenital, 2, autosomal dominant. Identifiers: Orphanet 486, MedGen C2751288, MONDO:0013139, OMIM 613107.

Allele frequency attached by ClinVar (database versions not stated): TOPMed below 0.00001.

Submission:

Labcorp Genetics (formerly Invitae), Labcorp
Classification: Uncertain significance for Neutropenia, severe congenital, 2, autosomal dominant. Last evaluated: 2021-12-24. Review status: criteria provided, single submitter. Criteria: Invitae Variant Classification Sherloc (09022015). Collection method: clinical testing. Allele origin: germline.
Comment: This variant has not been reported in the literature in individuals affected with GFI1-related conditions. In summary, the available evidence is currently insufficient to determine the role of this variant in disease. Therefore, it has been classified as a Variant of Uncertain Significance. Algorithms developed to predict the effect of missense changes on protein structure and function (SIFT, PolyPhen-2, Align-GVGD) all suggest that this variant is likely to be tolerated. ClinVar contains an entry for this variant (Variation ID: 1042778). This variant is not present in population databases (gnomAD no frequency). This sequence change replaces valine, which is neutral and non-polar, with phenylalanine, which is neutral and non-polar, at codon 237 of the GFI1 protein (p.Val237Phe).

NM_005263.5(GFI1):c.709G>T (p.Val237Phe)

Gene: GFI1 (growth factor independent 1 transcriptional repressor; minus strand). Cytogenetic location: 1p22.1.
Variant type: single nucleotide variant.
Coding change: c.709G>T on transcript NM_005263.5 (MANE Select); coding-DNA position 709, G replaced by T.
Protein change: p.Val237Phe; replaces valine 237 with phenylalanine.
Molecular consequence: missense variant.
Genome position (GRCh38, 1-based): chr1:92,480,678, C>A on the plus strand (G>T on the coding strand, the complement: GFI1 is on the minus strand). VCF-style: chr1-92480678-C-A. GRCh37 (hg19) VCF-style: chr1-92946235-C-A.
Other names: c.709G>T, p.Val237Phe (NM_001127215.3, NM_001127216.3); short protein forms V237F.
Identifiers: ClinVar variation 1042778 (VCV001042778.8), dbSNP rs906575632, ClinGen allele CA27090342.
Genomic context (GRCh38, chr1:92,480,678, plus strand): 5'-ACTTGTAGGAGCCGCCGCCCAGCAGCAGGCGGGTGCACAGCAGCTCCGACTCCACCTTGA[C>A]GCCAGCGCCCTTGTCTGCGTGCAGCCCGTGGCCACGCTCGGGGTACAGCAAGCCCGCCGC-3'
Protein context (NP_005254.2, residues 227-247): HGLHADKGAG[Val237Phe]KVESELLCTR